The following is an entry in ClinVar:

NM_000179.3(MSH6):c.1497G>T (p.Met499Ile)

Gene: MSH6 (mutS homolog 6; plus strand). Cytogenetic location: 2p16.3.
Variant type: single nucleotide variant.
Coding change: c.1497G>T on transcript NM_000179.3 (MANE Select); coding-DNA position 1497, G replaced by T.
Protein change: p.Met499Ile; replaces methionine 499 with isoleucine.
Molecular consequence: missense variant.
Genome position (GRCh38, 1-based): chr2:47,799,480, G>T. VCF-style: chr2-47799480-G-T. GRCh37 (hg19) VCF-style: chr2-48026619-G-T.
Other names: c.1200G>T, p.Met400Ile (NM_001406819.1, NM_001406820.1, NM_001406821.1 and 10 more transcripts); c.591G>T, p.Met197Ile (NM_001406823.1, NM_001281493.2, NM_001281494.2 and 6 more transcripts); c.1329G>T, p.Met443Ile (NM_001406826.1); c.1107G>T, p.Met369Ile (NM_001281492.2); c.1593G>T, p.Met531Ile (NM_001406795.1, NM_001406802.1); c.1497G>T, p.Met499Ile (NM_001406796.1, NM_001406798.1, NM_001406800.1 and 4 more transcripts); c.972G>T, p.Met324Ile (NM_001406799.1, NM_001406806.1, NM_001406807.1); c.1419G>T, p.Met473Ile (NM_001406804.1); and 1 more; short protein forms M324I, M443I, M531I, M197I, M369I, M473I, M400I, M499I.
Identifiers: ClinVar variation 2071259 (VCV002071259.6), dbSNP rs2530612959, ClinGen allele CA346746174.

ClinVar aggregate classification (germline): Uncertain significance. Review status: criteria provided, multiple submitters, no conflicts (2 of 4 stars). 2 submissions from 2 submitters: Uncertain significance (2). Last evaluated 2026-08-18.

Conditions:
Hereditary nonpolyposis colorectal neoplasms. Identifiers: MedGen C0009405, MeSH D003123.
Hereditary cancer-predisposing syndrome. Also called: Tumor predisposition; Hereditary Cancer Syndrome; Hereditary neoplastic syndrome; Neoplastic Syndromes, Hereditary. Identifiers: Orphanet 140162, MedGen C0027672, MeSH D009386, MONDO:0015356.

Submissions (2):

Ambry Genetics
Classification: Uncertain significance for Hereditary cancer-predisposing syndrome. Last evaluated: 2026-08-18. Review status: criteria provided, single submitter. Criteria: Ambry Variant Classification Scheme 2023. Collection method: clinical testing. Allele origin: germline.

Labcorp Genetics (formerly Invitae), Labcorp
Classification: Uncertain significance for Hereditary nonpolyposis colorectal neoplasms. Last evaluated: 2022-03-25. Review status: criteria provided, single submitter. Criteria: Invitae Variant Classification Sherloc (09022015). Collection method: clinical testing. Allele origin: germline.
Comment: In summary, the available evidence is currently insufficient to determine the role of this variant in disease. Therefore, it has been classified as a Variant of Uncertain Significance. Advanced modeling of protein sequence and biophysical properties (such as structural, functional, and spatial information, amino acid conservation, physicochemical variation, residue mobility, and thermodynamic stability) performed at Invitae indicates that this missense variant is not expected to disrupt MSH6 protein function. This variant has not been reported in the literature in individuals affected with MSH6-related conditions. This variant is not present in population databases (gnomAD no frequency). This sequence change replaces methionine, which is neutral and non-polar, with isoleucine, which is neutral and non-polar, at codon 499 of the MSH6 protein (p.Met499Ile).